The following is an entry in ClinVar:

ClinVar aggregate classification (germline): Uncertain significance (1 of 4 stars; one submission).

Conditions:
Developmental and epileptic encephalopathy 93. Also called: EPILEPTIC ENCEPHALOPATHY, INFANTILE OR EARLY CHILDHOOD, 3. Identifiers: MedGen C4693934, MONDO:0020632, OMIM 618012.

Submission:

3billion
Classification: Uncertain significance for Developmental and epileptic encephalopathy 93. Last evaluated: 2024-06-13. Review status: criteria provided, single submitter. Criteria: ACMG Guidelines, 2015. Collection method: clinical testing. Allele origin: germline. Affected: yes.
Comment: The variant is not observed in the gnomAD v4.0.0 dataset. Predicted Consequence/Location: Missense changes are a common disease-causing mechanism. In silico tool predictions suggest damaging effect of the variant on gene or gene product [REVEL: 0.95 (>=0.6, sensitivity 0.68 and specificity 0.92); 3Cnet: 0.78 (>=0.6, sensitivity 0.72 and precision 0.9)]. Therefore, this variant is classified as VUS according to the recommendation of ACMG/AMP guideline.

NM_001690.4(ATP6V1A):c.1079A>G (p.Glu360Gly)

Gene: ATP6V1A (ATPase H+ transporting V1 subunit A; plus strand). Cytogenetic location: 3q13.31.
Variant type: single nucleotide variant.
Coding change: c.1079A>G on transcript NM_001690.4 (MANE Select); coding-DNA position 1079, A replaced by G.
Protein change: p.Glu360Gly; replaces glutamic acid 360 with glycine.
Molecular consequence: missense variant.
Genome position (GRCh38, 1-based): chr3:113,794,962, A>G. VCF-style: chr3-113794962-A-G. GRCh37 (hg19) VCF-style: chr3-113513809-A-G.
Other names: short protein forms E360G.
Identifiers: ClinVar variation 4292936 (VCV004292936.1).